The following is an entry in ClinVar:

ClinVar aggregate classification (germline): Likely benign. Review status: criteria provided, multiple submitters, no conflicts (2 of 4 stars). 6 submissions from 6 submitters: Likely benign (6). Last evaluated 2025-10-01.

Conditions:
Marfan syndrome (MFS). Also called: FBN1-Related Marfan Syndrome; Marfan syndrome, classic; MARFAN SYNDROME, TYPE I; Marfan syndrome type 1; Marfan's syndrome. Identifiers: Orphanet 284963, Orphanet 558, MedGen C0024796, MONDO:0007947, OMIM 154700.
Familial thoracic aortic aneurysm and aortic dissection (TAAD). Also called: Thoracic aortic aneurysms and dissections. Identifiers: Orphanet 91387, MedGen C4707243, MONDO:0019625.

Allele frequency attached by ClinVar (database versions not stated): ExAC 0.00002; gnomAD 0.00001; TOPMed 0.00001; gnomAD exomes 0.00002.
gnomAD v4.1: 24 of 1,613,996 alleles (0.0015%); highest among the groups gnomAD compares: Middle Eastern, 0.016%; no homozygotes.

Submissions (6):

Labcorp Genetics (formerly Invitae), Labcorp
Classification: Likely benign for Marfan syndrome; Familial thoracic aortic aneurysm and aortic dissection. Last evaluated: 2025-10-01. Review status: criteria provided, single submitter. Criteria: Invitae Variant Classification Sherloc (09022015). Collection method: clinical testing. Allele origin: germline.

All of Us Research Program, National Institutes of Health
Classification: Likely benign for Marfan syndrome. Last evaluated: 2023-10-27. Review status: criteria provided, single submitter. Criteria: ACMG Guidelines, 2015. Collection method: clinical testing. Allele origin: germline. Inheritance: Autosomal dominant inheritance. Observed: 4 variant alleles, 4 heterozygotes.
Comment: This study involves interpretation of variants in research participants for the purpose of population health screening. Participant phenotype was not available at the time of variant classification. Additional details can be found in publication PMID: 35346344, PMCID: PMC8962531

Color Diagnostics, LLC DBA Color Health
Classification: Likely benign for Familial thoracic aortic aneurysm and aortic dissection. Last evaluated: 2020-02-24. Review status: criteria provided, single submitter. Criteria: ACMG Guidelines, 2015. Collection method: clinical testing. Allele origin: germline.

Blueprint Genetics
Classification: Likely benign. Last evaluated: 2019-09-05. Review status: criteria provided, single submitter. Criteria: ACMG Guidelines, 2015. Collection method: clinical testing. Allele origin: germline.

Ambry Genetics
Classification: Likely benign for Familial thoracic aortic aneurysm and aortic dissection. Last evaluated: 2015-06-09. Review status: criteria provided, single submitter. Criteria: Ambry Variant Classification Scheme 2023. Collection method: clinical testing. Allele origin: germline.

Laboratory for Molecular Medicine, Mass General Brigham Personalized Medicine
Classification: Likely benign. Last evaluated: 2008-03-01. Review status: criteria provided, single submitter. Criteria: LMM Criteria. Collection method: clinical testing. Allele origin: germline. Observed: 1 variant allele.

NM_000138.5(FBN1):c.7071C>T (p.Pro2357=)

Gene: FBN1 (fibrillin 1; minus strand). Cytogenetic location: 15q21.1.
Variant type: single nucleotide variant.
Coding change: c.7071C>T on transcript NM_000138.5 (MANE Select); coding-DNA position 7071, C replaced by T.
Protein change: p.Pro2357=; no amino-acid change (proline 2357 retained).
Molecular consequence: synonymous variant.
Genome position (GRCh38, 1-based): chr15:48,427,700, G>A on the plus strand (C>T on the coding strand, the complement: FBN1 is on the minus strand). VCF-style: chr15-48427700-G-A. GRCh37 (hg19) VCF-style: chr15-48719897-G-A.
Identifiers: ClinVar variation 42417 (VCV000042417.19), dbSNP rs397515843, ClinGen allele CA016970.